The following is an entry in ClinVar:

ClinVar aggregate classification (germline): Uncertain significance (1 of 4 stars; one submission).

Conditions:
Hereditary cancer-predisposing syndrome. Also called: Neoplastic Syndromes, Hereditary; Tumor predisposition; Hereditary Cancer Syndrome; Hereditary neoplastic syndrome. Identifiers: Orphanet 140162, MedGen C0027672, MeSH D009386, MONDO:0015356.

Submission:

Ambry Genetics
Classification: Uncertain significance for Hereditary cancer-predisposing syndrome. Last evaluated: 2021-12-07. Review status: criteria provided, single submitter. Criteria: Ambry Variant Classification Scheme 2023. Collection method: clinical testing. Allele origin: germline.
Comment: The p.Q238E variant (also known as c.712C>G), located in coding exon 6 of the APC gene, results from a C to G substitution at nucleotide position 712. The glutamine at codon 238 is replaced by glutamic acid, an amino acid with highly similar properties. This amino acid position is highly conserved in available vertebrate species. In addition, in silico predictors for this gene do not accurately predict pathogenicity. Since supporting evidence is limited at this time, the clinical significance of this alteration remains unclear.

NM_000038.6(APC):c.712C>G (p.Gln238Glu)

Gene: APC (APC regulator of Wnt signaling pathway; plus strand). Cytogenetic location: 5q22.2.
Variant type: single nucleotide variant.
Coding change: c.712C>G on transcript NM_000038.6 (MANE Select); coding-DNA position 712, C replaced by G.
Protein change: p.Gln238Glu; replaces glutamine 238 with glutamic acid.
Molecular consequence: missense variant. On other transcripts: 5 prime UTR variant (1), intron variant (2).
Genome position (GRCh38, 1-based): chr5:112,792,512, C>G. VCF-style: chr5-112792512-C-G. GRCh37 (hg19) VCF-style: chr5-112128209-C-G.
Other names: c.712C>G, p.Gln238Glu (NM_001127510.3, NM_001354895.2, NM_001354896.2 and 12 more transcripts); c.742C>G, p.Gln248Glu (NM_001354897.2, NM_001354902.2, NM_001407446.1); c.637C>G, p.Gln213Glu (NM_001354898.2, NM_001354904.2, NM_001407451.1); c.535C>G, p.Gln179Glu (NM_001354900.2, NM_001354901.2, NM_001354905.2 and 1 more transcripts); c.-324C>G (NM_001354906.2, NM_001407470.1, NM_001407471.1 and 1 more transcripts); c.676-8767C>G (NM_001127511.3); c.646-8767C>G (NM_001354899.2); short protein forms Q238E, Q213E, Q248E, Q179E.
Identifiers: ClinVar variation 1757297 (VCV001757297.2), dbSNP rs1580424314, ClinGen allele CA16022889.
Genomic context (GRCh38, chr5:112,792,512, plus strand): 5'-ATAGCCAGAATTCAGCAAATCGAAAAGGACATACTTCGTATACGACAGCTTTTACAGTCC[C>G]AAGCAACAGAAGCAGAGGTTAGTAAATTGCCTTTCTTGTTTGTGGGTATAAAAATAGGTA-3'
Protein context (NP_000029.2, residues 228-248): ILRIRQLLQS[Gln238Glu]ATEAERSSQN